The following is an entry in ClinVar:

NM_201384.3(PLEC):c.1254G>C (p.Leu418=)

Genes: PLEC (plectin; minus strand), LOC130001334 (ATAC-STARR-seq lymphoblastoid silent region 19628; plus strand). Cytogenetic location: 8q24.3.
Variant type: single nucleotide variant.
Coding change: c.1254G>C on transcript NM_201384.3 (MANE Select); coding-DNA position 1254, G replaced by C.
Protein change: p.Leu418=; no amino-acid change (leucine 418 retained).
Molecular consequence: synonymous variant.
Genome position (GRCh38, 1-based): chr8:143,934,007, C>G on the plus strand (G>C on the coding strand, the complement: PLEC is on the minus strand). VCF-style: chr8-143934007-C-G. GRCh37 (hg19) VCF-style: chr8-145008175-C-G.
Other names: c.1335G>C (NM_000445.4); c.1335G>C, p.Leu445= (NM_000445.5, NM_001410941.1); c.1212G>C, p.Leu404= (NM_201378.4); c.1188G>C, p.Leu396= (NM_201379.3); c.1665G>C, p.Leu555= (NM_201380.4); c.1158G>C, p.Leu386= (NM_201381.3); c.1254G>C, p.Leu418= (NM_201382.4); c.1266G>C, p.Leu422= (NM_201383.3).
Identifiers: ClinVar variation 2415121 (VCV002415121.11), dbSNP rs782008263, ClinGen allele CA4928083.

ClinVar aggregate classification (germline): Likely benign. Review status: criteria provided, multiple submitters, no conflicts (2 of 4 stars). 2 submissions from 2 submitters: Likely benign (2). Last evaluated 2026-06-15.

Conditions:
PLEC-related disorder. Also called: PLEC-related condition; PLEC-related disorders.
Epidermolysis bullosa simplex with nail dystrophy (EBS5D). Identifiers: MedGen C4225309, MONDO:0014661, OMIM 616487.
Epidermolysis bullosa simplex, Ogna type (EBS5A). Also called: Pidermolysis bullosa simplex 5A, Ogna type; EPIDERMOLYSIS BULLOSA SIMPLEX 5A, OGNA TYPE. Identifiers: Orphanet 79401, MedGen C0432317, MONDO:0007555, OMIM 131950.
Epidermolysis bullosa simplex 5C, with pyloric atresia (EBS5C). Also called: PLEC-Related Epidermolysis Bullosa with Pyloric Atresia; Epidermolysis bullosa simplex with pyloric atresia; PLEC1-Related Epidermolysis Bullosa with Pyloric Atresia. Identifiers: Orphanet 158684, MedGen C2677349, MONDO:0012807, OMIM 612138.
Autosomal recessive limb-girdle muscular dystrophy type 2Q (LGMDR17). Also called: MUSCULAR DYSTROPHY, LIMB-GIRDLE, AUTOSOMAL RECESSIVE 17. Identifiers: Orphanet 254361, MedGen C3150989, MONDO:0013390, OMIM 613723.
Epidermolysis bullosa simplex 5B, with muscular dystrophy (EBS5B). Also called: Epidermolysis bullosa simplex with muscular dystrophy; EPIDERMOLYSIS BULLOSA SIMPLEX AND LIMB-GIRDLE MUSCULAR DYSTROPHY. Identifiers: Orphanet 257, MedGen C2931072, MONDO:0009181, OMIM 226670.

Allele frequency attached by ClinVar (database versions not stated): gnomAD 0.00001; gnomAD exomes 0.00001; ExAC 0.00002; TOPMed 0.00002.
gnomAD v4.1: 9 of 1,606,464 alleles (0.00056%); highest among the groups gnomAD compares: Admixed American, 0.015%; no homozygotes.

Submissions (2):

PreventionGenetics, part of Exact Sciences
Classification: Likely benign for PLEC-related condition. Last evaluated: 2026-06-15. Review status: criteria provided, single submitter. Criteria: ACMG Guidelines, 2015. Collection method: clinical testing. Allele origin: germline.
Comment: This variant is classified as likely benign based on ACMG/AMP sequence variant interpretation guidelines (Richards et al. 2015 PMID: 25741868, with internal and published modifications).

Labcorp Genetics (formerly Invitae), Labcorp
Classification: Likely benign for Autosomal recessive limb-girdle muscular dystrophy type 2Q; Epidermolysis bullosa simplex, Ogna type; Epidermolysis bullosa simplex with nail dystrophy; Epidermolysis bullosa simplex 5C, with pyloric atresia; Epidermolysis bullosa simplex 5B, with muscular dystrophy. Last evaluated: 2025-02-13. Review status: criteria provided, single submitter. Criteria: Invitae Variant Classification Sherloc (09022015). Collection method: clinical testing. Allele origin: germline.